The following is an entry in ClinVar:

ClinVar aggregate classification (germline): Uncertain significance (1 of 4 stars; one submission).

Allele frequency attached by ClinVar (database versions not stated): ExAC 0.00001; gnomAD 0.00001; gnomAD exomes 0.00001; TOPMed 0.00003.
gnomAD v4.1: 14 of 1,612,760 alleles (0.00087%); highest among the groups gnomAD compares: Admixed American, 0.005%; no homozygotes.

Submission:

Labcorp Genetics (formerly Invitae), Labcorp
Classification: Uncertain significance. Last evaluated: 2025-12-09. Review status: criteria provided, single submitter. Criteria: Invitae Variant Classification Sherloc (09022015). Collection method: clinical testing. Allele origin: germline.
Comment: This sequence change replaces asparagine, which is neutral and polar, with serine, which is neutral and polar, at codon 388 of the NEDD4L protein (p.Asn388Ser). This variant is present in population databases (rs759746029, gnomAD 0.006%). This variant has not been reported in the literature in individuals affected with NEDD4L-related conditions. ClinVar contains an entry for this variant (Variation ID: 1446940). Invitae Evidence Modeling of protein sequence and biophysical properties (such as structural, functional, and spatial information, amino acid conservation, physicochemical variation, residue mobility, and thermodynamic stability) indicates that this missense variant is not expected to disrupt NEDD4L protein function with a negative predictive value of 80%. In summary, the available evidence is currently insufficient to determine the role of this variant in disease. Therefore, it has been classified as a Variant of Uncertain Significance.

NM_001144967.3(NEDD4L):c.1223A>G (p.Asn408Ser)

Gene: NEDD4L (NEDD4 like E3 ubiquitin protein ligase; plus strand). Cytogenetic location: 18q21.31.
Variant type: single nucleotide variant.
Coding change: c.1223A>G on transcript NM_001144967.3 (MANE Select); coding-DNA position 1223, A replaced by G.
Protein change: p.Asn408Ser; replaces asparagine 408 with serine.
Molecular consequence: missense variant. On other transcripts: intron variant (1).
Genome position (GRCh38, 1-based): chr18:58,341,135, A>G. VCF-style: chr18-58341135-A-G. GRCh37 (hg19) VCF-style: chr18-56008367-A-G.
Other names: c.860A>G, p.Asn287Ser (NM_001144964.1, NM_001144965.2, NM_001144966.3); c.1199A>G, p.Asn400Ser (NM_001144968.2); c.1139A>G, p.Asn380Ser (NM_001144969.2); c.800A>G, p.Asn267Ser (NM_001144970.3, NM_001144971.2); c.1163A>G, p.Asn388Ser (NM_015277.6); c.1066-543A>G (NM_001243960.2); short protein forms N267S, N287S, N380S, N388S, N400S, N408S.
Identifiers: ClinVar variation 1446940 (VCV001446940.6), dbSNP rs759746029, ClinGen allele CA8975618.
Genomic context (GRCh38, chr18:58,341,135, plus strand): 5'-CTTCAGGCTGGGAAGAAAGAAAAGATGCTAAGGGGCGCACATACTATGTCAATCATAACA[A>G]TCGAACCACAACTTGGACTCGACCTATCATGCAGGTACGAAGATTGCCATCCAACTTAAA-3'
Protein context (NP_001138439.1, residues 398-418): KGRTYYVNHN[Asn408Ser]RTTTWTRPIM